The following is an entry in ClinVar:

ClinVar aggregate classification (germline): Uncertain significance. Review status: criteria provided, multiple submitters, no conflicts (2 of 4 stars). 2 submissions from 2 submitters: Uncertain significance (2). Last evaluated 2024-07-26.

Allele frequency attached by ClinVar (database versions not stated): TOPMed below 0.00001; gnomAD 0.00001; gnomAD exomes 0.00001; ExAC 0.00002.
gnomAD v4.1: 20 of 1,613,930 alleles (0.0012%); highest among the groups gnomAD compares: South Asian, 0.0077%; no homozygotes.

Submissions (2):

Women's Health and Genetics/Laboratory Corporation of America, LabCorp
Classification: Uncertain significance. Last evaluated: 2024-07-26. Review status: criteria provided, single submitter. Criteria: LabCorp Variant Classification Summary - May 2015. Collection method: clinical testing. Allele origin: germline.
Comment: Variant summary: DAB1 c.1001C>T (p.Pro334Leu) results in a non-conservative amino acid change in the encoded protein sequence. Three of five in-silico tools predict a damaging effect of the variant on protein function. The variant allele was found at a frequency of 8e-06 in 249966 control chromosomes. The available data on variant occurrences in the general population are insufficient to allow any conclusion about variant significance. To our knowledge, no occurrence of c.1001C>T in individuals affected with Spinocerebellar Ataxia Type 37 and no experimental evidence demonstrating its impact on protein function have been reported. ClinVar contains an entry for this variant (Variation ID: 2398536). Based on the evidence outlined above, the variant was classified as uncertain significance.

Ambry Genetics
Classification: Uncertain significance. Last evaluated: 2021-08-13. Review status: criteria provided, single submitter. Criteria: Ambry Variant Classification Scheme 2023. Collection method: clinical testing. Allele origin: germline.

NM_001365792.1(DAB1):c.1001C>T (p.Pro334Leu)

Gene: DAB1 (DAB adaptor protein 1; minus strand). Cytogenetic location: 1p32.2.
Variant type: single nucleotide variant.
Coding change: c.1001C>T on transcript NM_001365792.1 (MANE Select); coding-DNA position 1001, C replaced by T.
Protein change: p.Pro334Leu; replaces proline 334 with leucine.
Molecular consequence: missense variant.
Genome position (GRCh38, 1-based): chr1:57,015,326, G>A on the plus strand (C>T on the coding strand, the complement: DAB1 is on the minus strand). VCF-style: chr1-57015326-G-A. GRCh37 (hg19) VCF-style: chr1-57480999-G-A.
Other names: c.1001C>T, p.Pro334Leu (NM_001353983.2, NM_001353985.2, NM_001365793.1 and 3 more transcripts); c.995C>T, p.Pro332Leu (NM_001353986.2, NM_001379461.1); short protein forms P332L, P334L.
Identifiers: ClinVar variation 2398536 (VCV002398536.3), dbSNP rs770270572, ClinGen allele CA876328.
Genomic context (GRCh38, chr1:57,015,326, plus strand): 5'-CAGGGCTGCTGAGTGGCAGGAAAGAGACCCGGCTGGCCCCATGCGATGGGCTGAGCCCCC[G>A]GCATCACCTGAGCGACTGGTGGCTGGGCACCCATGACCATCTGCTGTTGGACGAGGGGCT-3'
Protein context (NP_001352721.1, residues 324-344): GAQPPVAQVM[Pro334Leu]GAQPIAWGQP